The following is an entry in ClinVar:

NM_001130987.2(DYSF):c.1141G>T (p.Glu381Ter)

Gene: DYSF (dysferlin; plus strand). Cytogenetic location: 2p13.2.
Variant type: single nucleotide variant.
Coding change: c.1141G>T on transcript NM_001130987.2 (MANE Select); coding-DNA position 1141, G replaced by T.
Protein change: p.Glu381Ter; replaces glutamic acid 381 with a stop codon.
Molecular consequence: nonsense.
Genome position (GRCh38, 1-based): chr2:71,520,896, G>T. VCF-style: chr2-71520896-G-T. GRCh37 (hg19) VCF-style: chr2-71748026-G-T.
Other names: c.1048G>T, p.Glu350Ter (NM_001130455.2, NM_001130983.2, NM_001130984.2 and 1 more transcripts); c.1045G>T, p.Glu349Ter (NM_001130976.2, NM_001130977.2, NM_001130978.2 and 1 more transcripts); c.1138G>T, p.Glu380Ter (NM_001130979.2, NM_001130980.2, NM_001130981.2); c.1141G>T, p.Glu381Ter (NM_001130982.2, NM_001130985.2); short protein forms E350*, E380*, E349*, E381*.
Identifiers: ClinVar variation 2695882 (VCV002695882.4), dbSNP rs1301200599, ClinGen allele CA347212218.

ClinVar aggregate classification (germline): Pathogenic/Likely pathogenic. Review status: criteria provided, multiple submitters, no conflicts (2 of 4 stars). 2 submissions from 2 submitters: Pathogenic (1); Likely pathogenic (1). Last evaluated 2024-03-23.

Conditions:
Neuromuscular disease caused by qualitative or quantitative defects of dysferlin. Also called: Dysferlinopathy; Qualitative or quantitative defects of dysferlin. Identifiers: Orphanet 207073, MedGen C2931687, MONDO:0016145.
Miyoshi muscular dystrophy 1 (MMD1). Identifiers: Orphanet 45448, MedGen C4551973, MONDO:0024545, OMIM 254130.

gnomAD v4.1: 3 of 1,614,088 alleles (0.00019%); highest among the groups gnomAD compares: South Asian, 0.0011%; no homozygotes.

Submissions (2):

Baylor Genetics
Classification: Likely pathogenic for Miyoshi muscular dystrophy 1. Last evaluated: 2024-03-23. Review status: criteria provided, single submitter. Criteria: ACMG Guidelines, 2015. Collection method: clinical testing. Allele origin: unknown.

Labcorp Genetics (formerly Invitae), Labcorp
Classification: Pathogenic for Neuromuscular disease caused by qualitative or quantitative defects of dysferlin. Last evaluated: 2023-11-14. Review status: criteria provided, single submitter. Criteria: Invitae Variant Classification Sherloc (09022015). Collection method: clinical testing. Allele origin: germline.
Comment: This sequence change creates a premature translational stop signal (p.Glu349*) in the DYSF gene. It is expected to result in an absent or disrupted protein product. Loss-of-function variants in DYSF are known to be pathogenic (PMID: 17698709, 20301480). This variant is not present in population databases (gnomAD no frequency). This variant has not been reported in the literature in individuals affected with DYSF-related conditions. Algorithms developed to predict the effect of sequence changes on RNA splicing suggest that this variant may disrupt the consensus splice site. For these reasons, this variant has been classified as Pathogenic.

Literature cited by the submitters: PubMed 17698709 (cited by Labcorp Genetics (formerly Invitae), Labcorp); PubMed 20301480 (cited by Labcorp Genetics (formerly Invitae), Labcorp).